The following is an entry in ClinVar:

ClinVar aggregate classification (germline): Benign/Likely benign. Review status: criteria provided, multiple submitters, no conflicts (2 of 4 stars). 7 submissions from 7 submitters: Benign (2); Likely benign (3). 2 of the submissions do not count toward it. Last evaluated 2026-01-28.

Conditions:
Leukoencephalopathy with mild cerebellar ataxia and white matter edema (LKPAT). Also called: CLCN2-Related Leukoencephalopathy; Leukoencephalopathy with white matter edema; Brain white matter edema; Leukoencephalopathy with ataxia. Identifiers: Orphanet 363540, MedGen C4554120, MONDO:0014292, OMIM 615651. Disease mechanism: loss of function.

Allele frequency attached by ClinVar (database versions not stated): gnomAD exomes 0.00130 and 0.00059; ExAC 0.00172; TOPMed 0.00564; gnomAD 0.00517 and 0.00541; ESP Exome Variant Server 0.00584; 1000 Genomes Project 0.00679; 1000 Genomes Project 30x 0.00687.
gnomAD v4.1: 1,692 of 1,613,586 alleles (0.1%); highest among the groups gnomAD compares: African/African-American, 1.9%; 14 homozygotes.

Submissions (7):

Labcorp Genetics (formerly Invitae), Labcorp
Classification: Benign. Last evaluated: 2026-01-28. Review status: criteria provided, single submitter. Criteria: Invitae Variant Classification Sherloc (09022015). Collection method: clinical testing. Allele origin: germline.

Blueprint Genetics
Classification: Likely benign. Last evaluated: 2024-11-13. Review status: criteria provided, single submitter. Criteria: ACMG Guidelines, 2015. Collection method: clinical testing. Allele origin: germline.

Mayo Clinic Laboratories, Mayo Clinic
Classification: Benign. Last evaluated: 2024-10-15. Review status: criteria provided, single submitter. Criteria: ACMG Guidelines, 2015. Collection method: clinical testing. Allele origin: germline. Observed: 3 variant alleles.
Comment: BS1, BS2

Center for Pediatric Genomic Medicine, Children's Mercy Hospital and Clinics
Classification: Likely benign. Last evaluated: 2017-05-04. Review status: criteria provided, single submitter. Criteria: ACMG Guidelines, 2015. Collection method: clinical testing. Allele origin: germline.

Breakthrough Genomics
Classification: Likely benign. Review status: criteria provided, single submitter. Criteria: ACMG Guidelines, 2015. Collection method: not provided. Allele origin: germline. Inheritance: Autosomal recessive inheritance. Affected: yes.

Clinical Genetics DNA and cytogenetics Diagnostics Lab, Erasmus MC, Erasmus Medical Center
Classification: Benign. Review status: no assertion criteria provided. Collection method: clinical testing. Allele origin: germline. Affected: yes. Study: VKGL Data-share Consensus. Not counted in ClinVar's aggregate classification.

GeneReviews
No classification provided. Condition: Leukoencephalopathy with mild cerebellar ataxia and white matter edema. Review status: no classification provided. Collection method: literature only. Allele origin: germline. Affected: yes. Not counted in ClinVar's aggregate classification.

Literature cited by the submitters: PubMed 20187760 (cited by Mayo Clinic Laboratories, Mayo Clinic); PubMed 31780880 (cited by Mayo Clinic Laboratories, Mayo Clinic); PubMed 34816733 (cited by Mayo Clinic Laboratories, Mayo Clinic); PubMed 17762171 (cited by GeneReviews); NCBI Bookshelf NBK326661 (cited by GeneReviews).

NM_004366.6(CLCN2):c.203G>A (p.Arg68His)

Gene: CLCN2 (chloride voltage-gated channel 2; minus strand). Cytogenetic location: 3q27.1.
Variant type: single nucleotide variant.
Coding change: c.203G>A on transcript NM_004366.6 (MANE Select); coding-DNA position 203, G replaced by A.
Protein change: p.Arg68His; replaces arginine 68 with histidine.
Molecular consequence: missense variant.
Genome position (GRCh38, 1-based): chr3:184,358,992, C>T on the plus strand (G>A on the coding strand, the complement: CLCN2 is on the minus strand). VCF-style: chr3-184358992-C-T. GRCh37 (hg19) VCF-style: chr3-184076780-C-T.
Other names: c.203G>A, p.Arg68His (NM_001171087.3, NM_001171088.3, NM_001171089.3); short protein forms R68H.
Identifiers: ClinVar variation 217769 (VCV000217769.16), dbSNP rs61729156, ClinGen allele CA347602.